The following is an entry in ClinVar:

ClinVar aggregate classification (germline): Uncertain significance (1 of 4 stars; one submission).

Conditions:
Inborn genetic diseases. Identifiers: MedGen C0950123, MeSH D030342.

Allele frequency attached by ClinVar (database versions not stated): gnomAD exomes below 0.00001.
gnomAD v4.1: 2 of 1,611,424 alleles (0.00012%); highest among the groups gnomAD compares: South Asian, 0.0011%; no homozygotes.

Submission:

Ambry Genetics
Classification: Uncertain significance for Inborn genetic diseases. Last evaluated: 2021-08-15. Review status: criteria provided, single submitter. Criteria: Ambry Variant Classification Scheme 2023. Collection method: clinical testing. Allele origin: germline.
Comment: The p.I1036V variant (also known as c.3106A>G), located in coding exon 15 of the ATR gene, results from an A to G substitution at nucleotide position 3106. The isoleucine at codon 1036 is replaced by valine, an amino acid with highly similar properties. This amino acid position is conserved. In addition, this alteration is predicted to be tolerated by in silico analysis. Since supporting evidence is limited at this time, the clinical significance of this alteration remains unclear.

NM_001184.4(ATR):c.3106A>G (p.Ile1036Val)

Gene: ATR (ATR checkpoint kinase; minus strand). Cytogenetic location: 3q23.
Variant type: single nucleotide variant.
Coding change: c.3106A>G on transcript NM_001184.4 (MANE Select); coding-DNA position 3106, A replaced by G.
Protein change: p.Ile1036Val; replaces isoleucine 1036 with valine.
Molecular consequence: missense variant.
Genome position (GRCh38, 1-based): chr3:142,549,544, T>C on the plus strand (A>G on the coding strand, the complement: ATR is on the minus strand). VCF-style: chr3-142549544-T-C. GRCh37 (hg19) VCF-style: chr3-142268386-T-C.
Other names: c.2914A>G, p.Ile972Val (NM_001354579.2); short protein forms I972V, I1036V.
Identifiers: ClinVar variation 1727689 (VCV001727689.2), dbSNP rs2473363807, ClinGen allele CA354812325.